The following is an entry in ClinVar:

ClinVar aggregate classification (germline): Conflicting classifications of pathogenicity. Review status: criteria provided, conflicting classifications (1 of 4 stars). 2 submissions from 2 submitters: Likely pathogenic (1); Uncertain significance (1). Last evaluated 2025-12-17.

Conditions:
Wilson disease (WND). Also called: Wilson's disease. Identifiers: Orphanet 905, MedGen C0019202, MONDO:0010200, OMIM 277900. Disease mechanism: loss of function.

gnomAD v4.1: 18 of 1,613,824 alleles (0.0011%); highest among the groups gnomAD compares: Non-Finnish European, 0.0014%; no homozygotes.

Submissions (2):

Natera, Inc.
Classification: Likely pathogenic for Wilson disease. Last evaluated: 2025-12-17. Review status: criteria provided, single submitter. Criteria: Natera Variant Classification Schema (03/2026). Collection method: clinical testing. Allele origin: germline.
Comment: The c.1901G>A variant in ATP7B is a missense variant predicted to cause substitution of arginine to lysine at amino acid 634. This variant is rare in the general population with a frequency below the threshold expected for the associated phenotype(s). This variant has been observed in one or more individuals affected with the associated recessive disease, as either homozygous or compound heterozygous with a second variant (PMID: 35220961). Computational prediction algorithms indicate this variant is likely to affect gene or protein function. Given the available evidence, this variant is classified as Likely Pathogenic.

Color Diagnostics, LLC DBA Color Health
Classification: Uncertain significance for Wilson disease. Last evaluated: 2023-07-26. Review status: criteria provided, single submitter. Criteria: ACMG Guidelines, 2015. Collection method: clinical testing. Allele origin: germline.
Comment: This missense variant replaces arginine with lysine at codon 634 of the ATP7B protein. Computational prediction suggests that this variant may not impact protein structure and function (internally defined REVEL score threshold <= 0.5, PMID: 27666373). To our knowledge, functional studies have not been reported for this variant. This variant has not been reported in individuals affected with ATP7B-related disorders in the literature. This variant has been identified in 1/249574 chromosomes in the general population by the Genome Aggregation Database (gnomAD). The available evidence is insufficient to determine the role of this variant in disease conclusively. Therefore, this variant is classified as a Variant of Uncertain Significance.

Literature cited by the submitters: PubMed 35220961 (cited by Natera, Inc.).

NM_000053.4(ATP7B):c.1901G>A (p.Arg634Lys)

Gene: ATP7B (ATPase copper transporting beta; minus strand). Cytogenetic location: 13q14.3.
Variant type: single nucleotide variant.
Coding change: c.1901G>A on transcript NM_000053.4 (MANE Select); coding-DNA position 1901, G replaced by A.
Protein change: p.Arg634Lys; replaces arginine 634 with lysine.
Molecular consequence: missense variant. On other transcripts: intron variant (13).
Genome position (GRCh38, 1-based): chr13:51,961,882, C>T on the plus strand (G>A on the coding strand, the complement: ATP7B is on the minus strand). VCF-style: chr13-51961882-C-T. GRCh37 (hg19) VCF-style: chr13-52536018-C-T.
Other names: c.1901G>A (NM_000053.3); c.1568G>A, p.Arg523Lys (NM_001243182.2); c.1901G>A, p.Arg634Lys (NM_001330578.2, NM_001406511.1, NM_001406512.1 and 16 more transcripts); c.1868G>A, p.Arg623Lys (NM_001406514.1, NM_001406524.1); c.1805G>A, p.Arg602Lys (NM_001406517.1, NM_001406518.1, NM_001406530.1 and 1 more transcripts); c.1472G>A, p.Arg491Lys (NM_001406539.1); c.1869+2990G>A (NM_001406541.1, NM_001406531.1, NM_001406532.1 and 5 more transcripts); c.1773+2990G>A (NM_001406543.1, NM_001406544.1); and 2 more; short protein forms R491K, R523K, R602K, R623K, R634K.
Identifiers: ClinVar variation 3894368 (VCV003894368.2).